The following is an entry in ClinVar:

ClinVar aggregate classification (germline): Pathogenic. Review status: criteria provided, multiple submitters, no conflicts (2 of 4 stars). 2 submissions from 2 submitters: Pathogenic (2). Last evaluated 2024-11-12.

Conditions:
Hypertrophic cardiomyopathy. Also called: HYPERTROPHIC MYOCARDIOPATHY. Identifiers: Orphanet 217569, MedGen C0007194, MeSH D002312, MONDO:0005045, HP:0001639.
MYBPC3-related disorder. Also called: MYBPC3-related disorders; MYBPC3-related condition; MYBPC3-related disease.

Submissions (2):

Blueprint Genetics
Classification: Pathogenic for MYBPC3-related disorders. Last evaluated: 2024-11-12. Review status: criteria provided, single submitter. Criteria: ACMG Guidelines, 2015. Collection method: clinical testing. Allele origin: germline. Affected: yes. Observed: 1 variant allele.

Labcorp Genetics (formerly Invitae), Labcorp
Classification: Pathogenic for Hypertrophic cardiomyopathy. Last evaluated: 2021-05-30. Review status: criteria provided, single submitter. Criteria: Invitae Variant Classification Sherloc (09022015). Collection method: clinical testing. Allele origin: germline.
Comment: For these reasons, this variant has been classified as Pathogenic. This variant has not been reported in the literature in individuals with MYBPC3-related conditions. This variant is not present in population databases (ExAC no frequency). This sequence change creates a premature translational stop signal (p.Ser296Thrfs*35) in the MYBPC3 gene. It is expected to result in an absent or disrupted protein product. Loss-of-function variants in MYBPC3 are known to be pathogenic (PMID: 19574547).

Literature cited by the submitters: PubMed 19574547 (cited by Labcorp Genetics (formerly Invitae), Labcorp).

NM_000256.3(MYBPC3):c.887_891del (p.Ser296fs)

Gene: MYBPC3 (myosin binding protein C3; minus strand). Cytogenetic location: 11p11.2.
Variant type: Deletion.
Coding change: c.887_891del on transcript NM_000256.3 (MANE Select); coding-DNA positions 887 to 891, 5 bases deleted (GCTCA; older notation c.887_891delGCTCA).
Protein change: p.Ser296fs; shifts the reading frame from serine 296.
Molecular consequence: frameshift variant.
Genome position (GRCh38, 1-based): chr11:47,347,440-47,347,444, TGAGC deleted on the plus strand (GCTCA on the coding strand, the reverse complement: MYBPC3 is on the minus strand); deleting any 5 consecutive bases within chr11:47,347,440-47,347,447 gives the same sequence; the c. name uses the placement nearest the transcript's 3' end. VCF-style (leftmost placement, unchanged base first): chr11-47347439-GTGAGC-G. GRCh37 (hg19) VCF-style: chr11-47368990-GTGAGC-G.
Other names: short protein forms S296fs.
Identifiers: ClinVar variation 1384488 (VCV001384488.7), dbSNP rs2142865197, ClinGen allele CA2573147266.
Genomic context (GRCh38, chr11:47,347,439, plus strand): 5'-GAGCCAGGCCTCACCAGCTGCCCCAGGAACTGCCACCCAGGACTCACCTCTTTTTCAGCA[GTGAGC>G]TGAAGTCCAGAATCCCAGTGTCCTCATGGCTATCACTATGGAGAGGGACCCCCAGTGAGG-3'